The following is an entry in ClinVar:

ClinVar aggregate classification (germline): Uncertain significance. Review status: criteria provided, multiple submitters, no conflicts (2 of 4 stars). 2 submissions from 2 submitters: Uncertain significance (2). Last evaluated 2022-03-01.

Conditions:
Inborn genetic diseases. Identifiers: MedGen C0950123, MeSH D030342.
Cortical dysplasia-focal epilepsy syndrome (PTHSL1). Also called: Pitt-Hopkins-like syndrome 1. Identifiers: Orphanet 163681, Orphanet 221150, MedGen C2750246, MONDO:0012400, OMIM 610042.

Allele frequency attached by ClinVar (database versions not stated): gnomAD exomes below 0.00001 and 0.00001; ExAC 0.00001; gnomAD 0.00001; TOPMed 0.00001.
gnomAD v4.1: 8 of 1,613,532 alleles (0.0005%); highest among the groups gnomAD compares: South Asian, 0.0033%; no homozygotes.

Submissions (2):

Labcorp Genetics (formerly Invitae), Labcorp
Classification: Uncertain significance for Cortical dysplasia-focal epilepsy syndrome. Last evaluated: 2022-03-01. Review status: criteria provided, single submitter. Criteria: Invitae Variant Classification Sherloc (09022015). Collection method: clinical testing. Allele origin: germline.
Comment: In summary, the available evidence is currently insufficient to determine the role of this variant in disease. Therefore, it has been classified as a Variant of Uncertain Significance. Algorithms developed to predict the effect of missense changes on protein structure and function output the following: SIFT: "Tolerated"; PolyPhen-2: "Benign"; Align-GVGD: "Class C0". The phenylalanine amino acid residue is found in multiple mammalian species, which suggests that this missense change does not adversely affect protein function. ClinVar contains an entry for this variant (Variation ID: 589692). This variant has not been reported in the literature in individuals affected with CNTNAP2-related conditions. This variant is present in population databases (rs774670250, gnomAD 0.002%). This sequence change replaces leucine, which is neutral and non-polar, with phenylalanine, which is neutral and non-polar, at codon 256 of the CNTNAP2 protein (p.Leu256Phe).

Ambry Genetics
Classification: Uncertain significance for Inborn genetic diseases. Last evaluated: 2016-08-08. Review status: criteria provided, single submitter. Criteria: Ambry Variant Classification Scheme 2023. Collection method: clinical testing. Allele origin: germline.
Comment: The p.L256F variant (also known as c.766C>T), located in coding exon 6 of the CNTNAP2 gene, results from a C to T substitution at nucleotide position 766. The leucine at codon 256 is replaced by phenylalanine, an amino acid with highly similar properties. This variant was not reported in population based cohorts in the following databases: Database of Single Nucleotide Polymorphisms (dbSNP), NHLBI Exome Sequencing Project (ESP), and 1000 Genomes Project. In the ESP, this variant was not observed in 6503 samples (13006 alleles) with coverage at this position. This amino acid position is poorly conserved in available vertebrate species. In addition, this alteration is predicted to be tolerated by in silico analysis. Since supporting evidence is limited at this time, the clinical significance of this variant remains unclear.

NM_014141.6(CNTNAP2):c.766C>T (p.Leu256Phe)

Gene: CNTNAP2 (contactin associated protein 2; plus strand). Cytogenetic location: 7q35.
Variant type: single nucleotide variant.
Coding change: c.766C>T on transcript NM_014141.6 (MANE Select); coding-DNA position 766, C replaced by T.
Protein change: p.Leu256Phe; replaces leucine 256 with phenylalanine.
Molecular consequence: missense variant.
Genome position (GRCh38, 1-based): chr7:147,120,990, C>T. VCF-style: chr7-147120990-C-T. GRCh37 (hg19) VCF-style: chr7-146818082-C-T.
Other names: short protein forms L256F.
Identifiers: ClinVar variation 589692 (VCV000589692.8), dbSNP rs774670250, ClinGen allele CA4545896.